The following is an entry in ClinVar:

NM_005560.6(LAMA5):c.6476G>C (p.Gly2159Ala)

Gene: LAMA5 (laminin subunit alpha 5; minus strand). Cytogenetic location: 20q13.33.
Variant type: single nucleotide variant.
Coding change: c.6476G>C on transcript NM_005560.6 (MANE Select); coding-DNA position 6476, G replaced by C.
Protein change: p.Gly2159Ala; replaces glycine 2159 with alanine.
Molecular consequence: missense variant.
Genome position (GRCh38, 1-based): chr20:62,322,039, C>G on the plus strand (G>C on the coding strand, the complement: LAMA5 is on the minus strand). VCF-style: chr20-62322039-C-G. GRCh37 (hg19) VCF-style: chr20-60897095-C-G.
Other names: short protein forms G2159A.
Identifiers: ClinVar variation 2632568 (VCV002632568.4), dbSNP rs139412622, ClinGen allele CA9941728.

ClinVar aggregate classification (germline): Conflicting classifications of pathogenicity. Review status: criteria provided, conflicting classifications (1 of 4 stars). 2 submissions from 2 submitters: Uncertain significance (1); Likely benign (1). Last evaluated 2025-12-23.

Conditions:
LAMA5-related disorder. Also called: LAMA5-related condition; LAMA5-Related Disorders.

Allele frequency attached by ClinVar (database versions not stated): ESP Exome Variant Server 0.00069; 1000 Genomes Project 0.00080; gnomAD 0.00062; TOPMed 0.00075; ExAC 0.00019; 1000 Genomes Project 30x 0.00078.
gnomAD v4.1: 184 of 1,599,018 alleles (0.012%); highest among the groups gnomAD compares: African/African-American, 0.22%; 1 homozygote.

Submissions (2):

Labcorp Genetics (formerly Invitae), Labcorp
Classification: Likely benign. Last evaluated: 2025-12-23. Review status: criteria provided, single submitter. Criteria: Invitae Variant Classification Sherloc (09022015). Collection method: clinical testing. Allele origin: germline.

PreventionGenetics, part of Exact Sciences
Classification: Uncertain significance for LAMA5-related condition. Last evaluated: 2023-04-19. Review status: criteria provided, single submitter. Criteria: ACMG Guidelines, 2015. Collection method: clinical testing. Allele origin: germline.
Comment: The LAMA5 c.6476G>C variant is predicted to result in the amino acid substitution p.Gly2159Ala. To our knowledge, this variant has not been reported in the literature. This variant is reported in 0.24% of alleles in individuals of African descent in gnomAD. At this time, the clinical significance of this variant is uncertain due to the absence of conclusive functional and genetic evidence.